The following is an entry in ClinVar:

ClinVar aggregate classification (germline): Uncertain significance. Review status: criteria provided, multiple submitters, no conflicts (2 of 4 stars). 3 submissions from 3 submitters: Uncertain significance (3). Last evaluated 2025-05-15.

Conditions:
Rhabdoid tumor predisposition syndrome 2 (RTPS2). Identifiers: Orphanet 231108, Orphanet 69077, MedGen C2750074, MONDO:0013224, OMIM 613325.
Hereditary cancer-predisposing syndrome. Also called: Tumor predisposition; Neoplastic Syndromes, Hereditary; Hereditary neoplastic syndrome; Hereditary Cancer Syndrome. Identifiers: Orphanet 140162, MedGen C0027672, MeSH D009386, MONDO:0015356.

Submissions (3):

GeneDx
Classification: Uncertain significance. Last evaluated: 2025-05-15. Review status: criteria provided, single submitter. Criteria: GeneDx Variant Classification Process June 2021. Collection method: clinical testing. Allele origin: germline.
Comment: Not observed at significant frequency in large population cohorts (gnomAD); In silico analysis supports that this missense variant has a deleterious effect on protein structure/function; Has not been previously published as pathogenic or benign to our knowledge

Labcorp Genetics (formerly Invitae), Labcorp
Classification: Uncertain significance for Rhabdoid tumor predisposition syndrome 2. Last evaluated: 2023-12-13. Review status: criteria provided, single submitter. Criteria: Invitae Variant Classification Sherloc (09022015). Collection method: clinical testing. Allele origin: germline.
Comment: This sequence change replaces glycine, which is neutral and non-polar, with valine, which is neutral and non-polar, at codon 107 of the SMARCA4 protein (p.Gly107Val). This variant is not present in population databases (gnomAD no frequency). This variant has not been reported in the literature in individuals affected with SMARCA4-related conditions. ClinVar contains an entry for this variant (Variation ID: 1728921). Advanced modeling of protein sequence and biophysical properties (such as structural, functional, and spatial information, amino acid conservation, physicochemical variation, residue mobility, and thermodynamic stability) has been performed at Invitae for this missense variant, however the output from this modeling did not meet the statistical confidence thresholds required to predict the impact of this variant on SMARCA4 protein function. In summary, the available evidence is currently insufficient to determine the role of this variant in disease. Therefore, it has been classified as a Variant of Uncertain Significance.

Ambry Genetics
Classification: Uncertain significance for Hereditary cancer-predisposing syndrome. Last evaluated: 2022-10-04. Review status: criteria provided, single submitter. Criteria: Ambry Variant Classification Scheme 2023. Collection method: clinical testing. Allele origin: germline.
Comment: The p.G107V variant (also known as c.320G>T), located in coding exon 2 of the SMARCA4 gene, results from a G to T substitution at nucleotide position 320. The glycine at codon 107 is replaced by valine, an amino acid with dissimilar properties. This amino acid position is well conserved in available vertebrate species. In addition, the in silico prediction for this alteration is inconclusive. Missense and in-frame variants in SMARCA4 are known to cause neurodevelopmental disorders; however, such associations with rhabdoid tumor predisposition syndrome including small cell carcinoma of the ovary-hypercalcemic type (SCCOHT) are exceedingly rare (Kosho T et al. Am J Med Genet C Semin Med Genet. 2014 Sep;166C(3):262-75; Jelinic P et al. Nat Genet. 2014 May;46(5):424-6). Since supporting evidence is limited at this time, the clinical significance of this alteration remains unclear.

NM_003072.5(SMARCA4):c.320G>T (p.Gly107Val)

Gene: SMARCA4 (SWI/SNF related BAF chromatin remodeling complex subunit ATPase 4; plus strand). Cytogenetic location: 19p13.2.
Variant type: single nucleotide variant.
Coding change: c.320G>T on transcript NM_003072.5 (MANE Select); coding-DNA position 320, G replaced by T.
Protein change: p.Gly107Val; replaces glycine 107 with valine.
Molecular consequence: missense variant. On other transcripts: non-coding transcript variant (1).
Genome position (GRCh38, 1-based): chr19:10,985,370, G>T. VCF-style: chr19-10985370-G-T. GRCh37 (hg19) VCF-style: chr19-11096046-G-T.
Other names: c.320G>T, p.Gly107Val (NM_001128844.3, NM_001128845.2, NM_001128846.2 and 6 more transcripts); short protein forms G107V.
Identifiers: ClinVar variation 1728921 (VCV001728921.7), dbSNP rs2513971446, ClinGen allele CA404055289.